The following is an entry in ClinVar:

NM_001364905.1(LRBA):c.6895T>C (p.Phe2299Leu)

Gene: LRBA (LPS responsive beige-like anchor protein; minus strand). Cytogenetic location: 4q31.3.
Variant type: single nucleotide variant.
Coding change: c.6895T>C on transcript NM_001364905.1 (MANE Select); coding-DNA position 6895, T replaced by C.
Protein change: p.Phe2299Leu; replaces phenylalanine 2299 with leucine.
Molecular consequence: missense variant.
Genome position (GRCh38, 1-based): chr4:150,436,750, A>G on the plus strand (T>C on the coding strand, the complement: LRBA is on the minus strand). VCF-style: chr4-150436750-A-G. GRCh37 (hg19) VCF-style: chr4-151357902-A-G.
Other names: c.6895T>C, p.Phe2299Leu (NM_001199282.3, NM_001367550.1); c.6928T>C, p.Phe2310Leu (NM_006726.5); short protein forms F2299L, F2310L.
Identifiers: ClinVar variation 1041962 (VCV001041962.8), dbSNP rs760964920, ClinGen allele CA3101788.

ClinVar aggregate classification (germline): Uncertain significance. Review status: criteria provided, multiple submitters, no conflicts (2 of 4 stars). 3 submissions from 3 submitters: Uncertain significance (3). Last evaluated 2024-09-30.

Conditions:
Inborn genetic diseases. Identifiers: MedGen C0950123, MeSH D030342.
Combined immunodeficiency due to LRBA deficiency. Also called: Common variable immunodeficiency 8, with autoimmunity. Identifiers: Orphanet 445018, MedGen C3553512, MONDO:0013863, OMIM 614700.

Allele frequency attached by ClinVar (database versions not stated): ExAC 0.00001; gnomAD 0.00001; gnomAD exomes 0.00001 and 0.00002.
gnomAD v4.1: 23 of 1,612,770 alleles (0.0014%); highest among the groups gnomAD compares: Non-Finnish European, 0.0019%; no homozygotes.

Submissions (3):

Ambry Genetics
Classification: Uncertain significance for Inborn genetic diseases. Last evaluated: 2024-09-30. Review status: criteria provided, single submitter. Criteria: Ambry Variant Classification Scheme 2023. Collection method: clinical testing. Allele origin: germline.

Blueprint Genetics
Classification: Uncertain significance. Last evaluated: 2024-09-03. Review status: criteria provided, single submitter. Criteria: ACMG Guidelines, 2015. Collection method: clinical testing. Allele origin: germline.

Labcorp Genetics (formerly Invitae), Labcorp
Classification: Uncertain significance for Combined immunodeficiency due to LRBA deficiency. Last evaluated: 2021-09-08. Review status: criteria provided, single submitter. Criteria: Invitae Variant Classification Sherloc (09022015). Collection method: clinical testing. Allele origin: germline.
Comment: This sequence change replaces phenylalanine with leucine at codon 2310 of the LRBA protein (p.Phe2310Leu). The phenylalanine residue is moderately conserved and there is a small physicochemical difference between phenylalanine and leucine. This variant is present in population databases (rs760964920, ExAC 0.002%). This variant has not been reported in the literature in individuals affected with LRBA-related conditions. Algorithms developed to predict the effect of missense changes on protein structure and function are either unavailable or do not agree on the potential impact of this missense change (SIFT: "Tolerated"; PolyPhen-2: "Probably Damaging"; Align-GVGD: "Class C0"). In summary, the available evidence is currently insufficient to determine the role of this variant in disease. Therefore, it has been classified as a Variant of Uncertain Significance.